The following is an entry in ClinVar:

NM_080680.3(COL11A2):c.1120-16T>A

Gene: COL11A2 (collagen type XI alpha 2 chain; minus strand). Cytogenetic location: 6p21.32.
Variant type: single nucleotide variant.
Coding change: c.1120-16T>A on transcript NM_080680.3 (MANE Select); 16 bases into the intron before coding-DNA position 1120, T replaced by A.
Molecular consequence: intron variant.
Genome position (GRCh38, 1-based): chr6:33,181,186, A>T on the plus strand (T>A on the coding strand, the complement: COL11A2 is on the minus strand). VCF-style: chr6-33181186-A-T. GRCh37 (hg19) VCF-style: chr6-33148963-A-T.
Other names: c.94-16T>A (NM_001424111.1, NM_001424110.1); c.799-16T>A (NM_080679.3); c.862-16T>A (NM_080681.3); c.940-16T>A (NM_001424108.1); c.274-16T>A (NM_001424109.1).
Identifiers: ClinVar variation 4763574 (VCV004763574.1).
Genomic context (GRCh38, chr6:33,181,186, plus strand): 5'-AGGCTCTCCTTTCTCTCCCTTCAGCCCTCGGGGTCCATGGGCAGCCTGAAGGAGACACAC[A>T]TGTAGCCCCCAGTGGGGCCCGTGAGCAGCCAGGACACTAGGCCTTTCTCCATCTCAACTC-3'

ClinVar aggregate classification (germline): Uncertain significance (1 of 4 stars; one submission).

gnomAD v4.1: 1 of 1,613,984 alleles (0.000062%); highest among the groups gnomAD compares: Non-Finnish European, 0.000085%; no homozygotes.

Submission:

Labcorp Genetics (formerly Invitae), Labcorp
Classification: Uncertain significance. Last evaluated: 2025-10-13. Review status: criteria provided, single submitter. Criteria: Invitae Variant Classification Sherloc (09022015). Collection method: clinical testing. Allele origin: germline.
Comment: This sequence change falls in intron 8 of the COL11A2 gene. It does not directly change the encoded amino acid sequence of the COL11A2 protein. This variant is not present in population databases (gnomAD no frequency). This variant has not been reported in the literature in individuals affected with COL11A2-related conditions. Algorithms developed to predict the effect of sequence changes on RNA splicing suggest that this variant may disrupt the consensus splice site. In summary, the available evidence is currently insufficient to determine the role of this variant in disease. Therefore, it has been classified as a Variant of Uncertain Significance.